The following is an entry in ClinVar:

ClinVar aggregate classification (germline): Uncertain significance (1 of 4 stars; one submission).

Submission:

Labcorp Genetics (formerly Invitae), Labcorp
Classification: Uncertain significance. Last evaluated: 2023-08-30. Review status: criteria provided, single submitter. Criteria: Invitae Variant Classification Sherloc (09022015). Collection method: clinical testing. Allele origin: germline.
Comment: In summary, the available evidence is currently insufficient to determine the role of this variant in disease. Therefore, it has been classified as a Variant of Uncertain Significance. An algorithm developed to predict the effect of missense changes on protein structure and function (PolyPhen-2) suggests that this variant is likely to be disruptive. ClinVar contains an entry for this variant (Variation ID: 1385229). This variant has not been reported in the literature in individuals affected with SLITRK6-related conditions. This variant is not present in population databases (gnomAD no frequency). This sequence change replaces leucine, which is neutral and non-polar, with proline, which is neutral and non-polar, at codon 190 of the SLITRK6 protein (p.Leu190Pro).

NM_032229.3(SLITRK6):c.569T>C (p.Leu190Pro)

Gene: SLITRK6 (SLIT and NTRK like family member 6; minus strand). Cytogenetic location: 13q31.1.
Variant type: single nucleotide variant.
Coding change: c.569T>C on transcript NM_032229.3 (MANE Select); coding-DNA position 569, T replaced by C.
Protein change: p.Leu190Pro; replaces leucine 190 with proline.
Molecular consequence: missense variant.
Genome position (GRCh38, 1-based): chr13:85,795,940, A>G on the plus strand (T>C on the coding strand, the complement: SLITRK6 is on the minus strand). VCF-style: chr13-85795940-A-G. GRCh37 (hg19) VCF-style: chr13-86370075-A-G.
Other names: short protein forms L190P.
Identifiers: ClinVar variation 1385229 (VCV001385229.6), dbSNP rs2137170039, ClinGen allele CA388380393.